The following is an entry in ClinVar:

ClinVar aggregate classification (germline): Pathogenic (1 of 4 stars; one submission).

Conditions:
Severe myoclonic epilepsy in infancy (DRVT). Also called: SEVERE MYOCLONIC EPILEPSY OF INFANCY; DEVELOPMENTAL AND EPILEPTIC ENCEPHALOPATHY 6A; Epileptic encephalopathy, early infantile, 6 (Dravet syndrome); Dravet syndrome; Severe Myoclonic Epilepsy in Infancy (SMEI). Identifiers: Orphanet 33069, MedGen C0751122, MONDO:0100135, OMIM 607208.

Submission:

Labcorp Genetics (formerly Invitae), Labcorp
Classification: Pathogenic for Severe myoclonic epilepsy in infancy. Last evaluated: 2025-12-01. Review status: criteria provided, single submitter. Criteria: Invitae Variant Classification Sherloc (09022015). Collection method: clinical testing. Allele origin: germline.
Comment: This sequence change creates a premature translational stop signal (p.Ala89Glyfs*22) in the SNX27 gene. It is expected to result in an absent or disrupted protein product. Loss-of-function variants in SNX27 are known to be pathogenic (PMID: 25894286). The frequency data for this variant in the population databases is considered unreliable, as metrics indicate poor data quality at this position in the gnomAD database. This variant has not been reported in the literature in individuals affected with SNX27-related conditions. ClinVar contains an entry for this variant (Variation ID: 644220). Algorithms developed to predict the effect of sequence changes on RNA splicing suggest that this variant may disrupt the consensus splice site. For these reasons, this variant has been classified as Pathogenic.

Literature cited by the submitters: PubMed 25894286.

NM_001330723.2(SNX27):c.265dup (p.Ala89fs)

Gene: SNX27 (sorting nexin 27; plus strand). Cytogenetic location: 1q21.3.
Variant type: Duplication.
Coding change: c.265dup on transcript NM_001330723.2 (MANE Select); coding-DNA position 265, one base duplicated (G; older notation c.265dupG).
Protein change: p.Ala89fs; shifts the reading frame from alanine 89.
Molecular consequence: frameshift variant.
Genome position (GRCh38, 1-based): chr1:151,612,466, G duplicated; the last of 7 consecutive G bases (chr1:151,612,460-151,612,466); duplicating any one gives the same sequence. VCF-style (leftmost placement, unchanged base first): chr1-151612459-C-CG. GRCh37 (hg19) VCF-style: chr1-151584935-C-CG.
Other names: c.265dupG (NM_030918.5); c.265dup, p.Ala89fs (NM_030918.6); short protein forms A89fs.
Identifiers: ClinVar variation 644220 (VCV000644220.7), dbSNP rs781657502, ClinGen allele CA1093365.